The following is an entry in ClinVar:

ClinVar aggregate classification (germline): Pathogenic (1 of 4 stars; one submission).

Conditions:
Inborn genetic diseases. Identifiers: MedGen C0950123, MeSH D030342.

Submission:

Ambry Genetics
Classification: Pathogenic for Inborn genetic diseases. Last evaluated: 2017-04-20. Review status: criteria provided, single submitter. Criteria: Ambry Variant Classification Scheme 2023. Collection method: clinical testing. Allele origin: germline.
Comment: The c.6426delC pathogenic mutation, located in coding exon 30 of the CHD7 gene, results from a deletion of one nucleotide at nucleotide position 6426, causing a translational frameshift with a predicted alternate stop codon (p.L2143*). This alteration is expected to result in loss of function by premature protein truncation or nonsense-mediated mRNA decay. As such, this alteration is interpreted as a disease-causing mutation.

NM_017780.4(CHD7):c.6426del (p.Ser2142_Leu2143insTer)

Gene: CHD7 (chromodomain helicase DNA binding protein 7; plus strand). Cytogenetic location: 8q12.2.
Variant type: Deletion.
Coding change: c.6426del on transcript NM_017780.4 (MANE Select); coding-DNA position 6426, one base deleted (C; older notation c.6426delC).
Protein change: p.Ser2142_Leu2143insTer.
Molecular consequence: frameshift variant. On other transcripts: intron variant (1).
Genome position (GRCh38, 1-based): chr8:60,853,151, C deleted; the last of 2 consecutive C bases (chr8:60,853,150-60,853,151); deleting either gives the same sequence. VCF-style (leftmost placement, unchanged base first): chr8-60853149-TC-T. GRCh37 (hg19) VCF-style: chr8-61765708-TC-T.
Other names: c.1717-9078del (NM_001316690.1).
Identifiers: ClinVar variation 1753455 (VCV001753455.2), dbSNP rs2488043491, ClinGen allele CA2580078860.